The following is an entry in ClinVar:

NM_001017962.3(P4HA1):c.1272A>G (p.Gly424=)

Gene: P4HA1 (prolyl 4-hydroxylase subunit alpha 1; minus strand). Cytogenetic location: 10q22.1.
Variant type: single nucleotide variant.
Coding change: c.1272A>G on transcript NM_001017962.3 (MANE Select); coding-DNA position 1272, A replaced by G.
Protein change: p.Gly424=; no amino-acid change (glycine 424 retained).
Molecular consequence: synonymous variant. On other transcripts: intron variant (1).
Genome position (GRCh38, 1-based): chr10:73,016,876, T>C on the plus strand (A>G on the coding strand, the complement: P4HA1 is on the minus strand). VCF-style: chr10-73016876-T-C. GRCh37 (hg19) VCF-style: chr10-74776634-T-C.
Other names: c.1272A>G, p.Gly424= (NM_000917.4, NM_001142595.2); c.1249-2587A>G (NM_001142596.2).
Identifiers: ClinVar variation 3045704 (VCV003045704.2), dbSNP rs201446669, ClinGen allele CA5551473.
Genomic context (GRCh38, chr10:73,016,876, plus strand): 5'-AGTGAATTTCTCCATTTCTTTTTCACTTACCCGTGCAAAGTCAAAATGGGGTTCATACTG[T>C]CCTCCAACTCCATAATTTGCTACCTGAAGGAAAGACACAAAGCATGAAAGAAAAGAACTA-3'
Protein context (NP_001017962.1, residues 414-434): ELQVANYGVG[Gly424=]QYEPHFDFAR

ClinVar aggregate classification (germline): Likely benign (0 of 4 stars; one submission).

Conditions:
P4HA1-related disorder. Also called: P4HA1-related condition.

Allele frequency attached by ClinVar (database versions not stated): gnomAD exomes 0.00006; gnomAD 0.00007; ExAC 0.00008; TOPMed 0.00008.
gnomAD v4.1: 102 of 1,611,952 alleles (0.0063%); highest among the groups gnomAD compares: Admixed American, 0.022%; no homozygotes.

Submission:

PreventionGenetics, part of Exact Sciences
Classification: Likely benign for P4HA1-related condition. Last evaluated: 2022-10-24. Review status: no assertion criteria provided. Collection method: clinical testing. Allele origin: germline.
Comment: This variant is classified as likely benign based on ACMG/AMP sequence variant interpretation guidelines (Richards et al. 2015 PMID: 25741868, with internal and published modifications).